The following is an entry in ClinVar:

ClinVar aggregate classification (germline): Uncertain significance (1 of 4 stars; one submission).

Conditions:
Familial thoracic aortic aneurysm and aortic dissection (TAAD). Also called: Thoracic aortic aneurysms and dissections. Identifiers: Orphanet 91387, MedGen C4707243, MONDO:0019625.

Submission:

Ambry Genetics
Classification: Uncertain significance for Familial thoracic aortic aneurysm and aortic dissection. Last evaluated: 2025-01-24. Review status: criteria provided, single submitter. Criteria: Ambry Variant Classification Scheme 2023. Collection method: clinical testing. Allele origin: germline.
Comment: The p.R134C variant (also known as c.400C>T), located in coding exon 3 of the COL5A1 gene, results from a C to T substitution at nucleotide position 400. The arginine at codon 134 is replaced by cysteine, an amino acid with highly dissimilar properties. This amino acid position is highly conserved in available vertebrate species. In addition, the in silico prediction for this alteration is inconclusive. Based on the available evidence, the clinical significance of this variant remains unclear.

NM_000093.5(COL5A1):c.400C>T (p.Arg134Cys)

Gene: COL5A1 (collagen type V alpha 1 chain; plus strand). Cytogenetic location: 9q34.3.
Variant type: single nucleotide variant.
Coding change: c.400C>T on transcript NM_000093.5 (MANE Select); coding-DNA position 400, C replaced by T.
Protein change: p.Arg134Cys; replaces arginine 134 with cysteine.
Molecular consequence: missense variant.
Genome position (GRCh38, 1-based): chr9:134,700,031, C>T. VCF-style: chr9-134700031-C-T. GRCh37 (hg19) VCF-style: chr9-137591877-C-T.
Other names: c.400C>T, p.Arg134Cys (NM_001278074.1); short protein forms R134C.
Identifiers: ClinVar variation 3835302 (VCV003835302.1).
Genomic context (GRCh38, chr9:134,700,031, plus strand): 5'-GCCTTCCTGGTCTCCATCTACAACGAGCAGGGTATCCAGCAGATTGGGCTGGAGCTGGGC[C>T]GCTCTCCCGTCTTCCTCTACGAGGACCACACGGGGAAGCCTGGCCCGGAAGACTACCCCC-3'
Protein context (NP_000084.3, residues 124-144): GIQQIGLELG[Arg134Cys]SPVFLYEDHT